The following is an entry in ClinVar:

NM_001365276.2(TNXB):c.9896C>T (p.Ala3299Val)

Gene: TNXB (tenascin XB; minus strand). Cytogenetic location: 6p21.33.
Variant type: single nucleotide variant.
Coding change: c.9896C>T on transcript NM_001365276.2 (MANE Select); coding-DNA position 9896, C replaced by T.
Protein change: p.Ala3299Val; replaces alanine 3299 with valine.
Molecular consequence: missense variant.
Genome position (GRCh38, 1-based): chr6:32,048,512, G>A on the plus strand (C>T on the coding strand, the complement: TNXB is on the minus strand). VCF-style: chr6-32048512-G-A. GRCh37 (hg19) VCF-style: chr6-32016289-G-A.
Other names: c.9890C>T, p.Ala3297Val (NM_019105.8); short protein forms A3297V, A3299V.
Identifiers: ClinVar variation 1307952 (VCV001307952.2), dbSNP rs774770198, ClinGen allele CA3733372.

ClinVar aggregate classification (germline): Uncertain significance (1 of 4 stars; one submission).

Allele frequency attached by ClinVar (database versions not stated): gnomAD exomes below 0.00001 and 0.00001; ExAC 0.00002.
gnomAD v4.1: 6 of 1,596,630 alleles (0.00038%); highest among the groups gnomAD compares: East Asian, 0.0023%; no homozygotes.

Submission:

GeneDx
Classification: Uncertain significance. Last evaluated: 2019-08-12. Review status: criteria provided, single submitter. Criteria: GeneDx Variant Classification Process June 2021. Collection method: clinical testing. Allele origin: germline. Affected: yes.
Comment: Has not been previously published as pathogenic or benign to our knowledge; Not observed at a significant frequency in large population cohorts (Lek et al., 2016); In silico analysis, which includes protein predictors and evolutionary conservation, supports that this variant does not alter protein structure/function